The following is an entry in ClinVar:

ClinVar aggregate classification (germline): Uncertain significance (1 of 4 stars; one submission).

Conditions:
Familial adenomatous polyposis 1 (FAP1). Also called: FAMILIAL ADENOMATOUS POLYPOSIS 1, ATTENUATED; POLYPOSIS, ADENOMATOUS INTESTINAL. Identifiers: MedGen C2713442, MONDO:0021056, OMIM 175100. Disease mechanism: loss of function.

Submission:

Labcorp Genetics (formerly Invitae), Labcorp
Classification: Uncertain significance for Familial adenomatous polyposis 1. Last evaluated: 2022-12-21. Review status: criteria provided, single submitter. Criteria: Invitae Variant Classification Sherloc (09022015). Collection method: clinical testing. Allele origin: germline.
Comment: This variant occurs in a non-coding region of the APC gene. It does not change the encoded amino acid sequence of the APC protein. This variant is not present in population databases (gnomAD no frequency). This variant has not been reported in the literature in individuals affected with APC-related conditions. Experimental studies and prediction algorithms are not available or were not evaluated, and the functional significance of this variant is currently unknown. In summary, the available evidence is currently insufficient to determine the role of this variant in disease. Therefore, it has been classified as a Variant of Uncertain Significance.

NM_001127511.3(APC):c.-121G>A

Gene: APC (APC regulator of Wnt signaling pathway; plus strand). Cytogenetic location: 5q22.2.
Variant type: single nucleotide variant.
Coding change: c.-121G>A on transcript NM_001127511.3; 121 bases upstream of the start codon, G replaced by A.
Molecular consequence: 5 prime UTR variant. On other transcripts: non-coding transcript variant (2).
Genome position (GRCh38, 1-based): chr5:112,707,597, G>A. VCF-style: chr5-112707597-G-A. GRCh37 (hg19) VCF-style: chr5-112043294-G-A.
Other names: c.-304G>A (NM_001354895.2, NM_001407447.1, NM_001407452.1 and 3 more transcripts); c.-121G>A (NM_001354897.2, NM_001354902.2, NM_001407446.1); c.-71G>A (NM_001407448.1, NM_001407450.1, NM_001407457.1 and 1 more transcripts); c.-95G>A (NM_001407453.1); c.-1339G>A (NM_001407470.1, NM_001407472.1).
Identifiers: ClinVar variation 2970050 (VCV002970050.3), dbSNP rs1173776603, ClinGen allele CA2674863555.